The following is an entry in ClinVar:

NM_138694.4(PKHD1):c.3813_3829del (p.Trp1272fs)

Gene: PKHD1 (PKHD1 ciliary IPT domain containing fibrocystin/polyductin; minus strand). Cytogenetic location: 6p12.2.
Variant type: Deletion.
Coding change: c.3813_3829del on transcript NM_138694.4 (MANE Select); coding-DNA positions 3813 to 3829, 17 bases deleted (CTGGGCTGGCAACAGGT).
Protein change: p.Trp1272fs; shifts the reading frame from tryptophan 1272.
Molecular consequence: frameshift variant.
Genome position (GRCh38, 1-based): chr6:52,025,981-52,025,997, ACCTGTTGCCAGCCCAG deleted on the plus strand (CTGGGCTGGCAACAGGT on the coding strand, the reverse complement: PKHD1 is on the minus strand); deleting any 17 consecutive bases within chr6:52,025,981-52,026,001 gives the same sequence; the c. name uses the placement nearest the transcript's 3' end. VCF-style (leftmost placement, unchanged base first): chr6-52025980-AACCTGTTGCCAGCCCAG-A. GRCh37 (hg19) VCF-style: chr6-51890778-AACCTGTTGCCAGCCCAG-A.
Other names: c.3813_3829del, p.Trp1272fs (NM_170724.3); short protein forms W1272fs.
Identifiers: ClinVar variation 4816648 (VCV004816648.1).

ClinVar aggregate classification (germline): Likely pathogenic (1 of 4 stars; one submission).

Conditions:
Autosomal recessive polycystic kidney disease (ARPKD). Also called: AR polycystic kidney disease. Identifiers: Orphanet 731, Orphanet 8378, MedGen C0085548, MeSH D017044, MONDO:0009889.

Submission:

Natera, Inc.
Classification: Likely pathogenic for Autosomal recessive polycystic kidney disease. Last evaluated: 2024-09-12. Review status: criteria provided, single submitter. Criteria: Natera Variant Classification Schema (03/2026). Collection method: clinical testing. Allele origin: germline.
Comment: The c.3813_3829del variant in PKHD1 is a frameshift variant predicted to shift the reading frame beginning at codon 1272 and leads to a stop codon 19 codons downstream. This variant is expected to result in nonsense mediated decay, truncation, or a dysfunctional protein product. This variant is rare in the general population with a frequency below the threshold expected for the associated phenotype(s). Given the available evidence, this variant is classified as Likely Pathogenic.